The following is an entry in ClinVar:

ClinVar aggregate classification (germline): Pathogenic (1 of 4 stars; one submission).

Conditions:
Treacher Collins syndrome 1 (TCS1). Also called: TCOF1-Related Treacher Collins Syndrome. Identifiers: Orphanet 861, MedGen CN315775, MONDO:0007944, OMIM 154500.

Submission:

Labcorp Genetics (formerly Invitae), Labcorp
Classification: Pathogenic for Treacher Collins syndrome 1. Last evaluated: 2023-10-29. Review status: criteria provided, single submitter. Criteria: Invitae Variant Classification Sherloc (09022015). Collection method: clinical testing. Allele origin: germline.
Comment: This sequence change creates a premature translational stop signal (p.Thr783Asnfs*90) in the TCOF1 gene. It is expected to result in an absent or disrupted protein product. Loss-of-function variants in TCOF1 are known to be pathogenic (PMID: 8894686, 22317976). This variant is not present in population databases (gnomAD no frequency). This variant has not been reported in the literature in individuals affected with TCOF1-related conditions. For these reasons, this variant has been classified as Pathogenic.

Literature cited by the submitters: PubMed 8894686; PubMed 22317976.

NM_001371623.1(TCOF1):c.2347dup (p.Thr783fs)

Gene: TCOF1 (treacle ribosome biogenesis factor 1; plus strand). Cytogenetic location: 5q32.
Variant type: Duplication.
Coding change: c.2347dup on transcript NM_001371623.1 (MANE Select); coding-DNA position 2347, one base duplicated (A; older notation c.2347dupA).
Protein change: p.Thr783fs; shifts the reading frame from threonine 783.
Molecular consequence: frameshift variant.
Genome position (GRCh38, 1-based): chr5:150,378,911, A duplicated; the last of 4 consecutive A bases (chr5:150,378,908-150,378,911); duplicating any one gives the same sequence. VCF-style (leftmost placement, unchanged base first): chr5-150378907-G-GA. GRCh37 (hg19) VCF-style: chr5-149758470-G-GA.
Other names: c.2116dup, p.Thr706fs (NM_000356.4, NM_001135245.2); c.2347dup, p.Thr783fs (NM_001008657.3, NM_001135243.2, NM_001135244.2 and 1 more transcripts); short protein forms T706fs, T783fs.
Identifiers: ClinVar variation 2772801 (VCV002772801.3), dbSNP rs2533645355, ClinGen allele CA2697546539.